The following is an entry in ClinVar:

ClinVar aggregate classification (germline): Pathogenic. Review status: criteria provided, single submitter (1 of 4 stars). 2 submissions from 2 submitters: Pathogenic (1). 1 of the submissions does not count toward it. Last evaluated 2021-11-22.

Conditions:
Polycystic kidney disease 4 (PKD4). Also called: Autosomal Recessive Polycystic Kidney Disease – PKHD1; POLYCYSTIC KIDNEY AND HEPATIC DISEASE 1; POLYCYSTIC KIDNEY DISEASE, INFANTILE, TYPE I; PKD3; POLYCYSTIC KIDNEY DISEASE 4 WITH OR WITHOUT POLYCYSTIC LIVER DISEASE. Identifiers: MedGen C4540575, MONDO:0033004, OMIM 263200.

Allele frequency attached by ClinVar (database versions not stated): gnomAD exomes below 0.00001; TOPMed below 0.00001.

Submissions (2):

MGZ Medical Genetics Center
Classification: Pathogenic for Polycystic kidney disease 4. Last evaluated: 2021-11-22. Review status: criteria provided, single submitter. Criteria: ACMG Guidelines, 2015. Collection method: clinical testing. Allele origin: germline. Affected: yes. Observed: 1 variant allele.
Comment: ACMG criteria applied: PVS1, PS4, PM3_STR, PP4_MOD, PM2_SUP

Counsyl
Classification: Likely pathogenic for Polycystic kidney disease 4. Last evaluated: 2017-04-07. Review status: no assertion criteria provided. Collection method: clinical testing. Allele origin: unknown. Not counted in ClinVar's aggregate classification.

Literature cited by the submitters: PubMed 15698423 (cited by Counsyl); PubMed 25525159 (cited by Counsyl).

NM_138694.4(PKHD1):c.3228+1G>T

Gene: PKHD1 (PKHD1 ciliary IPT domain containing fibrocystin/polyductin; minus strand). Cytogenetic location: 6p12.2.
Variant type: single nucleotide variant.
Coding change: c.3228+1G>T on transcript NM_138694.4 (MANE Select); the canonical splice donor site of the intron after coding-DNA position 3228, G replaced by T.
Molecular consequence: splice donor variant.
Genome position (GRCh38, 1-based): chr6:52,035,590, C>A on the plus strand (G>T on the coding strand, the complement: PKHD1 is on the minus strand). VCF-style: chr6-52035590-C-A. GRCh37 (hg19) VCF-style: chr6-51900388-C-A.
Other names: c.3228+1G>T (NM_170724.3).
Identifiers: ClinVar variation 551421 (VCV000551421.5), dbSNP rs868673401, ClinGen allele CA364441613.